The following is an entry in ClinVar:

ClinVar aggregate classification (germline): Uncertain significance (1 of 4 stars; one submission).

Conditions:
Inborn genetic diseases. Identifiers: MedGen C0950123, MeSH D030342.

Submission:

Ambry Genetics
Classification: Uncertain significance for Inborn genetic diseases. Last evaluated: 2022-08-22. Review status: criteria provided, single submitter. Criteria: Ambry Variant Classification Scheme 2023. Collection method: clinical testing. Allele origin: germline.
Comment: The p.Q799E variant (also known as c.2395C>G), located in coding exon 19 of the BUB1B gene, results from a C to G substitution at nucleotide position 2395. The glutamine at codon 799 is replaced by glutamic acid, an amino acid with highly similar properties. This amino acid position is conserved. In addition, this alteration is predicted to be tolerated by in silico analysis. Since supporting evidence is limited at this time, the clinical significance of this alteration remains unclear.

NM_001211.6(BUB1B):c.2395C>G (p.Gln799Glu)

Gene: BUB1B (BUB1 mitotic checkpoint serine/threonine kinase B; plus strand). Cytogenetic location: 15q15.1.
Variant type: single nucleotide variant.
Coding change: c.2395C>G on transcript NM_001211.6 (MANE Select); coding-DNA position 2395, C replaced by G.
Protein change: p.Gln799Glu; replaces glutamine 799 with glutamic acid.
Molecular consequence: missense variant.
Genome position (GRCh38, 1-based): chr15:40,212,508, C>G. VCF-style: chr15-40212508-C-G. GRCh37 (hg19) VCF-style: chr15-40504709-C-G.
Other names: short protein forms Q799E.
Identifiers: ClinVar variation 1790610 (VCV001790610.2), dbSNP rs2542575270, ClinGen allele CA391695115.
Genomic context (GRCh38, chr15:40,212,508, plus strand): 5'-CCATAACCATAGACTTAACTGAACTTATTTTTAAAATACAATGTCTTACAGGTATCTTCT[C>G]AACCTGTCCCATGGGACTTTTATATCAACCTCAAGTTAAAGGAACGTTTAAATGAAGATT-3'
Protein context (NP_001202.5, residues 789-809): AELTVIKVSS[Gln799Glu]PVPWDFYINL